The following is an entry in ClinVar:

ClinVar aggregate classification (germline): Uncertain significance. Review status: criteria provided, multiple submitters, no conflicts (2 of 4 stars). 3 submissions from 3 submitters: Uncertain significance (2). 1 of the submissions does not count toward it. Last evaluated 2024-09-12.

Conditions:
Argininosuccinate lyase deficiency. Also called: ARGININOSUCCINIC ACID LYASE DEFICIENCY; ASL DEFICIENCY; Argininosuccinic aciduria. Identifiers: Orphanet 23, MedGen C0268547, MONDO:0008815, OMIM 207900, HP:0025630.

Allele frequency attached by ClinVar (database versions not stated): TOPMed below 0.00001; gnomAD 0.00001; gnomAD exomes 0.00001.

Submissions (3):

Women's Health and Genetics/Laboratory Corporation of America, LabCorp
Classification: Uncertain significance. Last evaluated: 2024-09-12. Review status: criteria provided, single submitter. Criteria: LabCorp Variant Classification Summary - May 2015. Collection method: clinical testing. Allele origin: germline.
Comment: Variant summary: ASL c.209T>C (p.Val70Ala) results in a non-conservative amino acid change located in the fumarate lyase, N-terminal domain (IPR022761) of the encoded protein sequence. Five of five in-silico tools predict a damaging effect of the variant on protein function. Several computational tools predict a significant impact on normal splicing: Three predict the variant weakens a 3' acceptor site. However, these predictions have yet to be confirmed by functional studies. The variant was absent in 244992 control chromosomes (gnomAD). The available data on variant occurrences in the general population are insufficient to allow any conclusion about variant significance. c.209T>C has been reported in the literature in at least an individual affected with argininosuccinic aciduria (example: Balmer_2014). These report(s) do not provide unequivocal conclusions about association of the variant with Argininosuccinic Aciduria. To our knowledge, no experimental evidence demonstrating an impact on protein function has been reported. The following publication has been ascertained in the context of this evaluation (PMID: 24166829). ClinVar contains an entry for this variant (Variation ID: 550394). Based on the evidence outlined above, the variant was classified as uncertain significance.

Labcorp Genetics (formerly Invitae), Labcorp
Classification: Uncertain significance for Argininosuccinate lyase deficiency. Last evaluated: 2022-08-15. Review status: criteria provided, single submitter. Criteria: Invitae Variant Classification Sherloc (09022015). Collection method: clinical testing. Allele origin: germline.
Comment: This sequence change replaces valine, which is neutral and non-polar, with alanine, which is neutral and non-polar, at codon 70 of the ASL protein (p.Val70Ala). This variant is present in population databases (no rsID available, gnomAD 0.007%). This missense change has been observed in individual(s) with argininosuccinate lyase deficiency (PMID: 24166829). ClinVar contains an entry for this variant (Variation ID: 550394). Algorithms developed to predict the effect of missense changes on protein structure and function (SIFT, PolyPhen-2, Align-GVGD) all suggest that this variant is likely to be disruptive. In summary, the available evidence is currently insufficient to determine the role of this variant in disease. Therefore, it has been classified as a Variant of Uncertain Significance.

Counsyl
Classification: Uncertain significance for Argininosuccinate lyase deficiency. Last evaluated: 2018-02-02. Review status: no assertion criteria provided. Collection method: clinical testing. Allele origin: unknown. Not counted in ClinVar's aggregate classification.

Literature cited by the submitters: PubMed 24166829 (cited by 3 submitters).

NM_000048.4(ASL):c.209T>C (p.Val70Ala)

Gene: ASL (argininosuccinate lyase; plus strand). Cytogenetic location: 7q11.21.
Variant type: single nucleotide variant.
Coding change: c.209T>C on transcript NM_000048.4 (MANE Select); coding-DNA position 209, T replaced by C.
Protein change: p.Val70Ala; replaces valine 70 with alanine.
Molecular consequence: missense variant.
Genome position (GRCh38, 1-based): chr7:66,082,369, T>C. VCF-style: chr7-66082369-T-C. GRCh37 (hg19) VCF-style: chr7-65547356-T-C.
Other names: c.209T>C, p.Val70Ala (NM_001024943.2, NM_001024944.2, NM_001024946.2); short protein forms V70A.
Identifiers: ClinVar variation 550394 (VCV000550394.5), dbSNP rs1027739421, ClinGen allele CA159926254.